The following is an entry in ClinVar:

NM_003072.5(SMARCA4):c.1813-19A>G

Gene: SMARCA4 (SWI/SNF related BAF chromatin remodeling complex subunit ATPase 4; plus strand). Cytogenetic location: 19p13.2.
Variant type: single nucleotide variant.
Coding change: c.1813-19A>G on transcript NM_003072.5 (MANE Select); 19 bases into the intron before coding-DNA position 1813, A replaced by G.
Molecular consequence: intron variant.
Genome position (GRCh38, 1-based): chr19:11,003,010, A>G. VCF-style: chr19-11003010-A-G. GRCh37 (hg19) VCF-style: chr19-11113686-A-G.
Other names: c.1813-19A>G (NM_001128844.3, NM_001128849.3, NM_001128847.4 and 5 more transcripts).
Identifiers: ClinVar variation 509546 (VCV000509546.9), dbSNP rs373986576, ClinGen allele CA9203913.
Genomic context (GRCh38, chr19:11,003,010, plus strand): 5'-TGCTTCCCACCTTGGCCTCTGTAAGTGTTTGGTCTGGAGGCCCTGCAACCTCAGTGTCAC[A>G]CGAATGACTCTTTTTCAGCCTCTGGACGAGACCAGCCAGATGAGCGACCTCCCGGTGAAG-3'

ClinVar aggregate classification (germline): Benign/Likely benign. Review status: criteria provided, multiple submitters, no conflicts (2 of 4 stars). 3 submissions from 3 submitters: Benign (1); Likely benign (2). Last evaluated 2026-07-10.

Conditions:
Rhabdoid tumor predisposition syndrome 2 (RTPS2). Identifiers: Orphanet 231108, Orphanet 69077, MedGen C2750074, MONDO:0013224, OMIM 613325.

Allele frequency attached by ClinVar (database versions not stated): gnomAD 0.00004 and 0.00003; TOPMed 0.00004; ESP Exome Variant Server 0.00008; gnomAD exomes 0.00002 and 0.00004; ExAC 0.00002.

Submissions (3):

Myriad Genetics, Inc.
Classification: Benign for Rhabdoid tumor predisposition syndrome 2. Last evaluated: 2026-07-10. Review status: criteria provided, single submitter. Criteria: Myriad Autosomal Dominant, Autosomal Recessive and X-Linked Classification Criteria (2023). Collection method: clinical testing. Allele origin: unknown.
Comment: This variant is considered benign. This variant is intronic and is not expected to impact mRNA splicing. This variant has been observed at a population frequency that is significantly greater than expected given the associated disease prevalence and penetrance.

Labcorp Genetics (formerly Invitae), Labcorp
Classification: Likely benign for Rhabdoid tumor predisposition syndrome 2. Last evaluated: 2026-01-10. Review status: criteria provided, single submitter. Criteria: Invitae Variant Classification Sherloc (09022015). Collection method: clinical testing. Allele origin: germline.

GeneDx
Classification: Likely benign. Last evaluated: 2017-05-10. Review status: criteria provided, single submitter. Criteria: GeneDx Variant Classification (06012015). Collection method: clinical testing. Allele origin: germline. Affected: yes.
Comment: This variant is considered likely benign or benign based on one or more of the following criteria: it is a conservative change, it occurs at a poorly conserved position in the protein, it is predicted to be benign by multiple in silico algorithms, and/or has population frequency not consistent with disease.